The following is an entry in ClinVar:

NM_000088.4(COL1A1):c.1847del (p.Ala616fs)

Gene: COL1A1 (collagen type I alpha 1 chain; minus strand). Cytogenetic location: 17q21.33.
Variant type: Deletion.
Coding change: c.1847del on transcript NM_000088.4 (MANE Select); coding-DNA position 1847, one base deleted (C; older notation c.1847delC).
Protein change: p.Ala616fs; shifts the reading frame from alanine 616.
Molecular consequence: frameshift variant.
Genome position (GRCh38, 1-based): chr17:50,192,825, G deleted on the plus strand (C on the coding strand, the reverse complement: COL1A1 is on the minus strand). VCF-style (leftmost placement, unchanged base first): chr17-50192824-AG-A. GRCh37 (hg19) VCF-style: chr17-48270185-AG-A.
Other names: short protein forms A616fs.
Identifiers: ClinVar variation 1456037 (VCV001456037.6), dbSNP rs2144564620, ClinGen allele CA2573154260.
Genomic context (GRCh38, chr17:50,192,824, plus strand): 5'-TGCTCCCCAGATCTCCCCATCAGGGACACTCACAGCAGGGCCAGGGGGTCCCTGAGCTCC[AG>A]CCTCTCCATCTTTGCCAGCAGGACCCTGCAGGGAGAGAGCAAAGGGGAACTCAGGGTTAG-3'

ClinVar aggregate classification (germline): Pathogenic (1 of 4 stars; one submission).

Conditions:
Osteogenesis imperfecta type I (OI1). Also called: Lobstein disease; Classic Non-deforming Osteogenesis Imperfecta with Blue Sclerae; OI, TYPE I; OSTEOGENESIS IMPERFECTA TARDA; OSTEOGENESIS IMPERFECTA WITH BLUE SCLERAE; Osteogenesis imperfecta type 1. Identifiers: Orphanet 216796, Orphanet 666, MedGen C0023931, MONDO:0008146, OMIM 166200. Disease mechanism: loss of function.

Submission:

Labcorp Genetics (formerly Invitae), Labcorp
Classification: Pathogenic for Osteogenesis imperfecta type I. Last evaluated: 2020-12-27. Review status: criteria provided, single submitter. Criteria: Invitae Variant Classification Sherloc (09022015). Collection method: clinical testing. Allele origin: germline.
Comment: This variant has not been reported in the literature in individuals with COL1A1-related conditions. For these reasons, this variant has been classified as Pathogenic. This variant is not present in population databases (ExAC no frequency). This sequence change creates a premature translational stop signal (p.Ala616Valfs*150) in the COL1A1 gene. It is expected to result in an absent or disrupted protein product. Loss-of-function variants in COL1A1 are known to be pathogenic (PMID: 7942841, 9295084, 9443882).

Literature cited by the submitters: PubMed 7942841; PubMed 9295084; PubMed 9443882.